The following is an entry in ClinVar:

NM_015001.3(SPEN):c.8886C>G (p.Asp2962Glu)

Gene: SPEN (spen family transcriptional repressor; plus strand). Cytogenetic location: 1p36.13.
Variant type: single nucleotide variant.
Coding change: c.8886C>G on transcript NM_015001.3 (MANE Select); coding-DNA position 8886, C replaced by G.
Protein change: p.Asp2962Glu; replaces aspartic acid 2962 with glutamic acid.
Molecular consequence: missense variant.
Genome position (GRCh38, 1-based): chr1:15,935,126, C>G. VCF-style: chr1-15935126-C-G. GRCh37 (hg19) VCF-style: chr1-16261621-C-G.
Other names: short protein forms D2962E.
Identifiers: ClinVar variation 1806677 (VCV001806677.1), dbSNP rs2523093871, ClinGen allele CA338651691.

ClinVar aggregate classification (germline): Uncertain significance (1 of 4 stars; one submission).

Submission:

GeneDx
Classification: Uncertain significance. Last evaluated: 2022-06-26. Review status: criteria provided, single submitter. Criteria: GeneDx Variant Classification Process June 2021. Collection method: clinical testing. Allele origin: germline. Affected: yes.
Comment: Not observed at significant frequency in large population cohorts (gnomAD); In silico analysis supports that this missense variant does not alter protein structure/function; Has not been previously published as pathogenic or benign to our knowledge